The following is an entry in ClinVar:

ClinVar aggregate classification (germline): Uncertain significance (1 of 4 stars; one submission).

Conditions:
Hereditary cancer-predisposing syndrome. Also called: Neoplastic Syndromes, Hereditary; Tumor predisposition; Hereditary neoplastic syndrome; Hereditary Cancer Syndrome. Identifiers: Orphanet 140162, MedGen C0027672, MeSH D009386, MONDO:0015356.

Submission:

Ambry Genetics
Classification: Uncertain significance for Hereditary cancer-predisposing syndrome. Last evaluated: 2022-11-23. Review status: criteria provided, single submitter. Criteria: Ambry Variant Classification Scheme 2023. Collection method: clinical testing. Allele origin: germline.
Comment: The p.D178E variant (also known as c.534C>G), located in coding exon 3 of the FLCN gene, results from a C to G substitution at nucleotide position 534. The aspartic acid at codon 178 is replaced by glutamic acid, an amino acid with highly similar properties. This amino acid position is conserved. In addition, this alteration is predicted to be deleterious by in silico analysis. Since supporting evidence is limited at this time, the clinical significance of this alteration remains unclear.

NM_144997.7(FLCN):c.534C>G (p.Asp178Glu)

Gene: FLCN (folliculin; minus strand). Cytogenetic location: 17p11.2.
Variant type: single nucleotide variant.
Coding change: c.534C>G on transcript NM_144997.7 (MANE Select); coding-DNA position 534, C replaced by G.
Protein change: p.Asp178Glu; replaces aspartic acid 178 with glutamic acid.
Molecular consequence: missense variant.
Genome position (GRCh38, 1-based): chr17:17,224,006, G>C on the plus strand (C>G on the coding strand, the complement: FLCN is on the minus strand). VCF-style: chr17-17224006-G-C. GRCh37 (hg19) VCF-style: chr17-17127320-G-C.
Other names: c.588C>G, p.Asp196Glu (NM_001353229.2); c.534C>G, p.Asp178Glu (NM_001353230.2, NM_001353231.2, NM_144606.7); short protein forms D196E, D178E.
Identifiers: ClinVar variation 2451820 (VCV002451820.2), dbSNP rs1597606800, ClinGen allele CA398534338.
Genomic context (GRCh38, chr17:17,224,006, plus strand): 5'-ATCGATGATTCCCCGGACCTTCCCCAGCAGGAAGGGCCAGGAGTTGATGAGGTAGATCCG[G>C]TCCATCATGATGGTGATGATGCTGTACCAGCGCTGGAAGCCCCTGGCCAGGCTGTCCTTG-3'
Protein context (NP_659434.2, residues 168-188): RWYSIITIMM[Asp178Glu]RIYLINSWPF